The following is an entry in ClinVar:

NM_178822.5(IGSF10):c.1286dup (p.Leu429fs)

Gene: IGSF10 (immunoglobulin superfamily member 10; minus strand). Cytogenetic location: 3q25.1.
Variant type: Duplication.
Coding change: c.1286dup on transcript NM_178822.5 (MANE Select); coding-DNA position 1286, one base duplicated (T; older notation c.1286dupT).
Protein change: p.Leu429fs; shifts the reading frame from leucine 429.
Molecular consequence: frameshift variant.
Genome position (GRCh38, 1-based): chr3:151,448,695, A duplicated on the plus strand (T on the coding strand, the reverse complement: IGSF10 is on the minus strand); the first of 2 consecutive A bases (chr3:151,448,695-151,448,696); duplicating either gives the same sequence. VCF-style (leftmost placement, unchanged base first): chr3-151448694-T-TA. GRCh37 (hg19) VCF-style: chr3-151166482-T-TA.
Other names: c.1286dup, p.Leu429fs (NM_001385060.1, NM_001385061.1, NM_001385062.1 and 1 more transcripts); short protein forms L429fs.
Identifiers: ClinVar variation 2010158 (VCV002010158.4), dbSNP rs2474505340, ClinGen allele CA2580068970.

ClinVar aggregate classification (germline): Uncertain significance (1 of 4 stars; one submission).

Submission:

Labcorp Genetics (formerly Invitae), Labcorp
Classification: Uncertain significance. Last evaluated: 2023-01-27. Review status: criteria provided, single submitter. Criteria: Invitae Variant Classification Sherloc (09022015). Collection method: clinical testing. Allele origin: germline.
Comment: In summary, the available evidence is currently insufficient to determine the role of this variant in disease. Therefore, it has been classified as a Variant of Uncertain Significance. This variant has not been reported in the literature in individuals affected with IGSF10-related conditions. This variant is not present in population databases (gnomAD no frequency). This sequence change creates a premature translational stop signal (p.Leu429Phefs*27) in the IGSF10 gene. It is expected to result in an absent or disrupted protein product. However, the current clinical and genetic evidence is not sufficient to establish whether loss-of-function variants in IGSF10 cause disease.